The following is an entry in ClinVar:

ClinVar aggregate classification (germline): Conflicting classifications of pathogenicity. Review status: criteria provided, conflicting classifications (1 of 4 stars). 2 submissions from 2 submitters: Uncertain significance (1); Likely benign (1). Last evaluated 2025-07-01.

Conditions:
Inborn genetic diseases. Identifiers: MedGen C0950123, MeSH D030342.

Allele frequency attached by ClinVar (database versions not stated): gnomAD exomes 0.00006; ExAC 0.00007; ESP Exome Variant Server 0.00008.
gnomAD v4.1: 99 of 1,613,984 alleles (0.0061%); highest among the groups gnomAD compares: Middle Eastern, 0.017%; no homozygotes.

Submissions (2):

CeGaT Center for Human Genetics Tuebingen
Classification: Uncertain significance. Last evaluated: 2025-07-01. Review status: criteria provided, single submitter. Criteria: CeGaT Center For Human Genetics Tuebingen Variant Classification Criteria Version 2. Collection method: clinical testing. Allele origin: germline. Affected: yes. Observed: 1 variant allele.
Comment: AP1G1: PM2

Ambry Genetics
Classification: Likely benign for Inborn genetic diseases. Last evaluated: 2023-01-23. Review status: criteria provided, single submitter. Criteria: Ambry Variant Classification Scheme 2023. Collection method: clinical testing. Allele origin: germline.

NM_001128.6(AP1G1):c.1319A>G (p.Asn440Ser)

Gene: AP1G1 (adaptor related protein complex 1 subunit gamma 1; minus strand). Cytogenetic location: 16q22.2.
Variant type: single nucleotide variant.
Coding change: c.1319A>G on transcript NM_001128.6 (MANE Select); coding-DNA position 1319, A replaced by G.
Protein change: p.Asn440Ser; replaces asparagine 440 with serine.
Molecular consequence: missense variant.
Genome position (GRCh38, 1-based): chr16:71,750,298, T>C on the plus strand (A>G on the coding strand, the complement: AP1G1 is on the minus strand). VCF-style: chr16-71750298-T-C. GRCh37 (hg19) VCF-style: chr16-71784201-T-C.
Other names: c.1328A>G, p.Asn443Ser (NM_001030007.2); short protein forms N440S, N443S.
Identifiers: ClinVar variation 3127433 (VCV003127433.9), dbSNP rs148838983, ClinGen allele CA8156134.